The following is an entry in ClinVar:

NM_000245.4(MET):c.2777A>G (p.Gln926Arg)

Gene: MET (MET proto-oncogene, receptor tyrosine kinase; plus strand). Cytogenetic location: 7q31.2.
Variant type: single nucleotide variant.
Coding change: c.2777A>G on transcript NM_000245.4 (MANE Select); coding-DNA position 2777, A replaced by G.
Protein change: p.Gln926Arg; replaces glutamine 926 with arginine.
Molecular consequence: missense variant.
Genome position (GRCh38, 1-based): chr7:116,771,544, A>G. VCF-style: chr7-116771544-A-G. GRCh37 (hg19) VCF-style: chr7-116411598-A-G.
Other names: c.2831A>G, p.Gln944Arg (NM_001127500.3); c.1487A>G, p.Gln496Arg (NM_001324402.2); short protein forms Q496R, Q926R, Q944R.
Identifiers: ClinVar variation 1512310 (VCV001512310.9), dbSNP rs1464316950, ClinGen allele CA368986311.
Genomic context (GRCh38, chr7:116,771,544, plus strand): 5'-TTTGTCATTTTTAGTGGAAGCAAGCAATTTCTTCAACCGTCCTTGGAAAAGTAATAGTTC[A>G]ACCAGATCAGAATTTCACAGGATTGATTGCTGGTGTTGTCTCAATATCAACAGCACTGTT-3'
Protein context (NP_000236.2, residues 916-936): SSTVLGKVIV[Gln926Arg]PDQNFTGLIA

ClinVar aggregate classification (germline): Uncertain significance. Review status: criteria provided, multiple submitters, no conflicts (2 of 4 stars). 2 submissions from 2 submitters: Uncertain significance (2). Last evaluated 2026-10-01.

Conditions:
Renal cell carcinoma. Identifiers: Orphanet 217071, MedGen C0007134, MeSH D002292, MONDO:0005086, HP:0005584.
Papillary renal cell carcinoma type 1 (RCCP1). Also called: RENAL CELL CARCINOMA, PAPILLARY, 1, SOMATIC; Renal adenocarcinoma; Renal cell carcinoma 1; Renal cell carcinoma, somatic. Identifiers: Orphanet 47044, MedGen C1336839, OMIM 605074, HP:0011797.

gnomAD v4.1: 1 of 1,613,800 alleles (0.000062%); highest among the groups gnomAD compares: African/African-American, 0.0013%; no homozygotes.

Submissions (2):

St. Jude Molecular Pathology, St. Jude Children's Research Hospital
Classification: Uncertain significance for Papillary renal cell carcinoma type 1. Last evaluated: 2026-10-01. Review status: criteria provided, single submitter. Criteria: St. Jude Assertion Criteria 2020. Collection method: clinical testing. Allele origin: germline.
Comment: The MET c.2831A>G p.(Gln944Arg) missense change is absent in gnomAD v2.1.1. The in silico tool REVEL predicts a benign effect on protein function, but to our knowledge this prediction has not been confirmed by func tional studies. To our knowledge, this variant has not been reported in individuals with hereditary papillary renal cell carcinoma. In summary, the evidence currently available is insufficient to determine the clinical significance of this variant. It ha s therefore been classified as of uncertain significance.Ã¢ € ¯

Labcorp Genetics (formerly Invitae), Labcorp
Classification: Uncertain significance for Renal cell carcinoma. Last evaluated: 2021-01-29. Review status: criteria provided, single submitter. Criteria: Invitae Variant Classification Sherloc (09022015). Collection method: clinical testing. Allele origin: germline.
Comment: In summary, the available evidence is currently insufficient to determine the role of this variant in disease. Therefore, it has been classified as a Variant of Uncertain Significance. Algorithms developed to predict the effect of missense changes on protein structure and function (SIFT, PolyPhen-2, Align-GVGD) all suggest that this variant is likely to be tolerated, but these predictions have not been confirmed by published functional studies and their clinical significance is uncertain. This variant has not been reported in the literature in individuals with MET-related conditions. This variant is not present in population databases (ExAC no frequency). This sequence change replaces glutamine with arginine at codon 944 of the MET protein (p.Gln944Arg). The glutamine residue is weakly conserved and there is a small physicochemical difference between glutamine and arginine.